The following is an entry in ClinVar:

ClinVar aggregate classification (germline): Uncertain significance. Review status: criteria provided, multiple submitters, no conflicts (2 of 4 stars). 2 submissions from 2 submitters: Uncertain significance (2). Last evaluated 2025-06-09.

Conditions:
Familial thoracic aortic aneurysm and aortic dissection (TAAD). Also called: Thoracic aortic aneurysms and dissections. Identifiers: Orphanet 91387, MedGen C4707243, MONDO:0019625.

Submissions (2):

Color Diagnostics, LLC DBA Color Health
Classification: Uncertain significance for Familial thoracic aortic aneurysm and aortic dissection. Last evaluated: 2025-06-09. Review status: criteria provided, single submitter. Criteria: ACMG Guidelines, 2015. Collection method: clinical testing. Allele origin: germline.
Comment: This missense variant replaces isoleucine with valine at codon 259 of the TGFBR1 protein. Computational prediction suggests that this variant may have deleterious impact on protein structure and function. To our knowledge, functional studies have not been reported for this variant. This variant has not been reported in individuals affected with TGFBR1-related disorders in the literature. This variant has not been identified in the general population by the Genome Aggregation Database (gnomAD). The available evidence is insufficient to determine the role of this variant in disease conclusively. Therefore, this variant is classified as a Variant of Uncertain Significance.

Ambry Genetics
Classification: Uncertain significance for Familial thoracic aortic aneurysm and aortic dissection. Last evaluated: 2023-03-05. Review status: criteria provided, single submitter. Criteria: Ambry Variant Classification Scheme 2023. Collection method: clinical testing. Allele origin: germline.
Comment: The p.I259V variant (also known as c.775A>G), located in coding exon 4 of the TGFBR1 gene, results from an A to G substitution at nucleotide position 775. The isoleucine at codon 259 is replaced by valine, an amino acid with highly similar properties. This amino acid position is conserved. In addition, this alteration is predicted to be deleterious by in silico analysis. Since supporting evidence is limited at this time, the clinical significance of this alteration remains unclear.

NM_004612.4(TGFBR1):c.775A>G (p.Ile259Val)

Gene: TGFBR1 (transforming growth factor beta receptor 1; plus strand). Cytogenetic location: 9q22.33.
Variant type: single nucleotide variant.
Coding change: c.775A>G on transcript NM_004612.4 (MANE Select); coding-DNA position 775, A replaced by G.
Protein change: p.Ile259Val; replaces isoleucine 259 with valine.
Molecular consequence: missense variant. On other transcripts: non-coding transcript variant (4), intron variant (2).
Genome position (GRCh38, 1-based): chr9:99,138,059, A>G. VCF-style: chr9-99138059-A-G. GRCh37 (hg19) VCF-style: chr9-101900341-A-G.
Other names: c.580A>G, p.Ile194Val (NM_001407418.1, NM_001407419.1, NM_001407420.1 and 1 more transcripts); c.568A>G, p.Ile190Val (NM_001407423.1, NM_001407424.1, NM_001407425.1 and 8 more transcripts); c.529A>G, p.Ile177Val (NM_001407436.1); c.298A>G, p.Ile100Val (NM_001407438.1); c.575-4477A>G (NM_001407435.1); c.98-4477A>G (NM_001407437.1); c.544A>G, p.Ile182Val (NM_001130916.3); c.787A>G, p.Ile263Val (NM_001306210.2, NM_001407416.1); and 1 more; short protein forms I100V, I190V, I259V, I263V, I194V, I177V, I182V.
Identifiers: ClinVar variation 2451992 (VCV002451992.3), dbSNP rs2118722210, ClinGen allele CA374230271.